The following is an entry in ClinVar:

NM_007118.4(TRIO):c.2014A>G (p.Met672Val)

Gene: TRIO (trio Rho guanine nucleotide exchange factor; plus strand). Cytogenetic location: 5p15.2.
Variant type: single nucleotide variant.
Coding change: c.2014A>G on transcript NM_007118.4 (MANE Select); coding-DNA position 2014, A replaced by G.
Protein change: p.Met672Val; replaces methionine 672 with valine.
Molecular consequence: missense variant. On other transcripts: non-coding transcript variant (1).
Genome position (GRCh38, 1-based): chr5:14,336,695, A>G. VCF-style: chr5-14336695-A-G. GRCh37 (hg19) VCF-style: chr5-14336804-A-G.
Other names: short protein forms M672V.
Identifiers: ClinVar variation 1311366 (VCV001311366.2), dbSNP rs1280426987, ClinGen allele CA359194375.
Genomic context (GRCh38, chr5:14,336,695, plus strand): 5'-CTGGAAGACCGGATTCAAGATTTCGTTCGGCGTGTTGAGCAGCGAAAGATCCTACTGGAC[A>G]TGTCAGTGTCCTTTCACACCCATGTGAAAGAGGTAAGGTGCCAGGAGACCAAAATATGAT-3'
Protein context (NP_009049.2, residues 662-682): RVEQRKILLD[Met672Val]SVSFHTHVKE

ClinVar aggregate classification (germline): Uncertain significance (1 of 4 stars; one submission).

Allele frequency attached by ClinVar (database versions not stated): TOPMed 0.00001.

Submission:

GeneDx
Classification: Uncertain significance. Last evaluated: 2020-01-18. Review status: criteria provided, single submitter. Criteria: GeneDx Variant Classification Process June 2021. Collection method: clinical testing. Allele origin: germline. Affected: yes.
Comment: Not observed in large population cohorts (Lek et al., 2016); In silico analysis, which includes protein predictors and evolutionary conservation, supports a deleterious effect; Has not been previously published as pathogenic or benign to our knowledge